The following is an entry in ClinVar:

NM_014727.3(KMT2B):c.490C>T (p.Pro164Ser)

Gene: KMT2B (lysine methyltransferase 2B; plus strand). Cytogenetic location: 19q13.12.
Variant type: single nucleotide variant.
Coding change: c.490C>T on transcript NM_014727.3 (MANE Select); coding-DNA position 490, C replaced by T.
Protein change: p.Pro164Ser; replaces proline 164 with serine.
Molecular consequence: missense variant.
Genome position (GRCh38, 1-based): chr19:35,719,837, C>T. VCF-style: chr19-35719837-C-T. GRCh37 (hg19) VCF-style: chr19-36210739-C-T.
Other names: short protein forms P164S.
Identifiers: ClinVar variation 3384471 (VCV003384471.3).
Genomic context (GRCh38, chr19:35,719,837, plus strand): 5'-CTTTTAGGTCGAGCGCCCCGAGGTCGGGGTCGCAAGCATAAGACGACCCCCCTTCCTCCT[C>T]CTCGCCTAGCAGATGTGGCTCCTACCCCCCCAAAGACCCCTGCCCGGAAACGGGGTGAGG-3'
Protein context (NP_055542.1, residues 154-174): RKHKTTPLPP[Pro164Ser]RLADVAPTPP

ClinVar aggregate classification (germline): Conflicting classifications of pathogenicity. Review status: criteria provided, conflicting classifications (1 of 4 stars). 2 submissions from 2 submitters: Uncertain significance (1); Benign (1). Last evaluated 2025-10-02.

gnomAD v4.1: 9 of 1,612,272 alleles (0.00056%); highest among the groups gnomAD compares: South Asian, 0.0044%; no homozygotes.

Submissions (2):

Labcorp Genetics (formerly Invitae), Labcorp
Classification: Benign. Last evaluated: 2025-10-02. Review status: criteria provided, single submitter. Criteria: Invitae Variant Classification Sherloc (09022015). Collection method: clinical testing. Allele origin: germline.

GeneDx
Classification: Uncertain significance. Last evaluated: 2024-06-04. Review status: criteria provided, single submitter. Criteria: GeneDx Variant Classification Process June 2021. Collection method: clinical testing. Allele origin: germline. Affected: yes.
Comment: In silico analysis indicates that this missense variant does not alter protein structure/function; In silico analysis suggests this variant may impact gene splicing. In the absence of RNA/functional studies, the actual effect of this sequence change is unknown.; Has not been previously published as pathogenic or benign to our knowledge